The following is an entry in ClinVar:

ClinVar aggregate classification (germline): Conflicting classifications of pathogenicity. Review status: criteria provided, conflicting classifications (1 of 4 stars). 5 submissions from 5 submitters: Uncertain significance (1); Benign (1); Likely benign (1). 2 of the submissions do not count toward it. Last evaluated 2026-01-28.

Conditions:
HEXA-related disorder. Also called: HEXA-related condition.
Tay-Sachs disease (TSD). Also called: HEXA DEFICIENCY; HEXA Disorders; GM2 gangliosidosis, type 1; Hexosaminidase alpha-subunit deficiency (variant B); Sphingolipidosis, Tay-Sachs; Hexosaminidase A Deficiency. Identifiers: Orphanet 845, MedGen C0039373, MONDO:0010100, OMIM 272800.

Allele frequency attached by ClinVar (database versions not stated): gnomAD exomes 0.00015 and 0.00025; ExAC 0.00031; 1000 Genomes Project 30x 0.00078; 1000 Genomes Project 0.00100; gnomAD 0.00156 and 0.00173; TOPMed 0.00163; ESP Exome Variant Server 0.00169.
gnomAD v4.1: 467 of 1,613,788 alleles (0.029%); highest among the groups gnomAD compares: African/African-American, 0.57%; no homozygotes.

Submissions (5):

Labcorp Genetics (formerly Invitae), Labcorp
Classification: Benign for Tay-Sachs disease. Last evaluated: 2026-01-28. Review status: criteria provided, single submitter. Criteria: Invitae Variant Classification Sherloc (09022015). Collection method: clinical testing. Allele origin: germline.

Women's Health and Genetics/Laboratory Corporation of America, LabCorp
Classification: Likely benign. Last evaluated: 2024-12-12. Review status: criteria provided, single submitter. Criteria: LabCorp Variant Classification Summary - May 2015. Collection method: clinical testing. Allele origin: germline.

Illumina Laboratory Services, Illumina
Classification: Uncertain significance for Tay-Sachs disease. Last evaluated: 2018-01-13. Review status: criteria provided, single submitter. Criteria: ICSL Variant Classification Criteria 13 December 2019. Collection method: clinical testing. Allele origin: germline.

PreventionGenetics, part of Exact Sciences
Classification: Likely benign for HEXA-related condition. Last evaluated: 2022-02-23. Review status: no assertion criteria provided. Collection method: clinical testing. Allele origin: germline. Not counted in ClinVar's aggregate classification.
Comment: This variant is classified as likely benign based on ACMG/AMP sequence variant interpretation guidelines (Richards et al. 2015 PMID: 25741868, with internal and published modifications).

Counsyl
Classification: Likely benign for Tay-Sachs disease. Last evaluated: 2018-01-25. Review status: no assertion criteria provided. Collection method: clinical testing. Allele origin: unknown. Not counted in ClinVar's aggregate classification.

NM_000520.6(HEXA):c.346+13C>T

Gene: HEXA (hexosaminidase subunit alpha; minus strand). Cytogenetic location: 15q23.
Variant type: single nucleotide variant.
Coding change: c.346+13C>T on transcript NM_000520.6 (MANE Select); 13 bases into the intron after coding-DNA position 346, C replaced by T.
Molecular consequence: intron variant.
Genome position (GRCh38, 1-based): chr15:72,356,512, G>A on the plus strand (C>T on the coding strand, the complement: HEXA is on the minus strand). VCF-style: chr15-72356512-G-A. GRCh37 (hg19) VCF-style: chr15-72648853-G-A.
Other names: c.379+13C>T (NM_001318825.2).
Identifiers: ClinVar variation 317046 (VCV000317046.18), dbSNP rs200871198, ClinGen allele CA7645037.
Genomic context (GRCh38, chr15:72,356,512, plus strand): 5'-GGCCAGGCCATCCAGAGTTACAGCTTCAGACAAGTGTTTGCTCTTCTAAGACAGGGAACA[G>A]GATGGTACTTACAATTCTCCACTGACTCCAAAGTAGGAAGCTGGTTACATCCAGGTGTGA-3'